The following is an entry in ClinVar:

ClinVar aggregate classification (germline): Uncertain significance. Review status: criteria provided, multiple submitters, no conflicts (2 of 4 stars). 7 submissions from 7 submitters: Uncertain significance (7). Last evaluated 2026-01-09.

Conditions:
Catecholaminergic polymorphic ventricular tachycardia 1. Also called: RYR2-Related Catecholaminergic Polymorphic Ventricular Tachycardia; VENTRICULAR TACHYCARDIA, CATECHOLAMINERGIC POLYMORPHIC, 1, WITH OR WITHOUT ATRIAL DYSFUNCTION AND/OR DILATED CARDIOMYOPATHY; VENTRICULAR TACHYCARDIA, STRESS-INDUCED POLYMORPHIC 1. Identifiers: Orphanet 3286, MedGen C1631597, MONDO:0011484, OMIM 604772.
Cardiovascular phenotype. Identifiers: MedGen CN230736.
Catecholaminergic polymorphic ventricular tachycardia (CVPT). Also called: Catecholamine-induced polymorphic ventricular tachycardia. Identifiers: Orphanet 3286, MedGen C5574922, MONDO:0017990.
Cardiomyopathy (CMYO). Also called: Cardiomyopathies. Identifiers: Orphanet 167848, MedGen C0878544, MONDO:0004994, HP:0001638. Inheritance: Various modes of inheritance.

Allele frequency attached by ClinVar (database versions not stated): TOPMed 0.00001; ESP Exome Variant Server 0.00008.
gnomAD v4.1: 11 of 1,613,930 alleles (0.00068%); highest among the groups gnomAD compares: Non-Finnish European, 0.00085%; no homozygotes.

Submissions (7):

Labcorp Genetics (formerly Invitae), Labcorp
Classification: Uncertain significance for Catecholaminergic polymorphic ventricular tachycardia 1. Last evaluated: 2026-01-09. Review status: criteria provided, single submitter. Criteria: Invitae Variant Classification Sherloc (09022015). Collection method: clinical testing. Allele origin: germline.
Comment: This sequence change replaces serine, which is neutral and polar, with threonine, which is neutral and polar, at codon 837 of the RYR2 protein (p.Ser837Thr). This variant is not present in population databases (gnomAD no frequency). This variant has not been reported in the literature in individuals affected with RYR2-related conditions. ClinVar contains an entry for this variant (Variation ID: 870976). Invitae Evidence Modeling of protein sequence and biophysical properties (such as structural, functional, and spatial information, amino acid conservation, physicochemical variation, residue mobility, and thermodynamic stability) indicates that this missense variant is not expected to disrupt RYR2 protein function with a negative predictive value of 95%. In summary, the available evidence is currently insufficient to determine the role of this variant in disease. Therefore, it has been classified as a Variant of Uncertain Significance.

Women's Health and Genetics/Laboratory Corporation of America, LabCorp
Classification: Uncertain significance. Last evaluated: 2024-12-09. Review status: criteria provided, single submitter. Criteria: LabCorp Variant Classification Summary - May 2015. Collection method: clinical testing. Allele origin: germline.
Comment: Variant summary: RYR2 c.2510G>C (p.Ser837Thr) results in a conservative amino acid change in the encoded protein sequence. Two of four in-silico tools predict a benign effect of the variant on protein function. The variant was absent in 249292 control chromosomes. The available data on variant occurrences in the general population are insufficient to allow any conclusion about variant significance. c.2510G>C has been reported in the literature in at-least one individual affected with Catecholaminergic Polymorphic Ventricular Tachycardia (example: Landstrom_2017). These report(s) do not provide unequivocal conclusions about association of the variant with Catecholaminergic Polymorphic Ventricular Tachycardia. To our knowledge, no experimental evidence demonstrating an impact on protein function has been reported. The following publication has been ascertained in the context of this evaluation (PMID: 28404607). ClinVar contains an entry for this variant (Variation ID: 870976). Based on the evidence outlined above, the variant was classified as uncertain significance.

Ambry Genetics
Classification: Uncertain significance for Cardiovascular phenotype. Last evaluated: 2024-10-02. Review status: criteria provided, single submitter. Criteria: Ambry Variant Classification Scheme 2023. Collection method: clinical testing. Allele origin: germline.
Comment: The p.S837T variant (also known as c.2510G>C), located in coding exon 22 of the RYR2 gene, results from a G to C substitution at nucleotide position 2510. The serine at codon 837 is replaced by threonine, an amino acid with similar properties. This amino acid position is well conserved in available vertebrate species. In addition, the in silico prediction for this alteration is inconclusive. Based on the available evidence, the clinical significance of this variant remains unclear.

All of Us Research Program, National Institutes of Health
Classification: Uncertain significance for Catecholaminergic polymorphic ventricular tachycardia. Last evaluated: 2023-12-18. Review status: criteria provided, single submitter. Criteria: ACMG Guidelines, 2015. Collection method: clinical testing. Allele origin: germline. Inheritance: Autosomal dominant inheritance. Observed: 1 variant allele, 1 heterozygote.
Comment: This missense variant replaces serine with threonine at codon 837 of the RYR2 protein. Computational prediction suggests that this variant may not impact protein structure and function (internally defined REVEL score threshold <= 0.5, PMID: 27666373). Splice site prediction tools suggest that this variant may not impact RNA splicing. To our knowledge, functional studies have not been performed for this variant. This variant has not been reported in individuals affected with cardiovascular disorders in the literature. This variant has not been identified in the general population by the Genome Aggregation Database (gnomAD). The available evidence is insufficient to determine the role of this variant in disease conclusively. Therefore, this variant is classified as a Variant of Uncertain Significance.

This study involves interpretation of variants in research participants for the purpose of population health screening. Participant phenotype was not available at the time of variant classification. Additional details can be found in publication PMID: 35346344, PMCID: PMC8962531

Color Diagnostics, LLC DBA Color Health
Classification: Uncertain significance for Cardiomyopathy. Last evaluated: 2023-12-08. Review status: criteria provided, single submitter. Criteria: ACMG Guidelines, 2015. Collection method: clinical testing. Allele origin: germline.
Comment: This missense variant replaces serine with threonine at codon 837 of the RYR2 protein. Computational prediction tools indicate that this variant has a neutral impact on protein structure and function. To our knowledge, functional studies have not been reported for this variant. This variant has not been reported in individuals affected with RYR2-related disorders in the literature. This variant has not been identified in the general population by the Genome Aggregation Database (gnomAD). The available evidence is insufficient to determine the role of this variant in disease conclusively. Therefore, this variant is classified as a Variant of Uncertain Significance.

Institute for Clinical Genetics, University Hospital TU Dresden, University Hospital TU Dresden
Classification: Uncertain significance. Last evaluated: 2023-07-26. Review status: criteria provided, single submitter. Criteria: ACMG Guidelines, 2015. Collection method: clinical testing. Allele origin: germline.
Comment: PM2_SUP, PP2

Blueprint Genetics
Classification: Uncertain significance. Last evaluated: 2022-06-23. Review status: criteria provided, single submitter. Criteria: ACMG Guidelines, 2015. Collection method: clinical testing. Allele origin: germline.

Literature cited by the submitters: PubMed 28404607 (cited by Women's Health and Genetics/Laboratory Corporation of America, LabCorp).

NM_001035.3(RYR2):c.2510G>C (p.Ser837Thr)

Gene: RYR2 (ryanodine receptor 2; plus strand). Cytogenetic location: 1q43.
Variant type: single nucleotide variant.
Coding change: c.2510G>C on transcript NM_001035.3 (MANE Select); coding-DNA position 2510, G replaced by C.
Protein change: p.Ser837Thr; replaces serine 837 with threonine.
Molecular consequence: missense variant.
Genome position (GRCh38, 1-based): chr1:237,503,402, G>C. VCF-style: chr1-237503402-G-C. GRCh37 (hg19) VCF-style: chr1-237666702-G-C.
Other names: c.2510G>C (NM_001035.2); short protein forms S837T.
Identifiers: ClinVar variation 870976 (VCV000870976.29), dbSNP rs375607964, ClinGen allele CA39780659.